The following is an entry in ClinVar:

NM_000051.4(ATM):c.5165T>C (p.Leu1722Pro)

Gene: ATM (ATM serine/threonine kinase; plus strand). Cytogenetic location: 11q22.3.
Variant type: single nucleotide variant.
Coding change: c.5165T>C on transcript NM_000051.4 (MANE Select); coding-DNA position 5165, T replaced by C.
Protein change: p.Leu1722Pro; replaces leucine 1722 with proline.
Molecular consequence: missense variant.
Genome position (GRCh38, 1-based): chr11:108,299,873, T>C. VCF-style: chr11-108299873-T-C. GRCh37 (hg19) VCF-style: chr11-108170600-T-C.
Other names: c.5165T>C, p.Leu1722Pro (NM_001351834.2); short protein forms L1722P.
Identifiers: ClinVar variation 2726945 (VCV002726945.3), dbSNP rs2135893045, ClinGen allele CA382541154.

ClinVar aggregate classification (germline): Uncertain significance (1 of 4 stars; one submission).

Conditions:
Ataxia-telangiectasia syndrome (AT). Also called: Cerebello-oculocutaneous telangiectasia; Immunodeficiency with ataxia telangiectasia; Ataxia-telangiectasia, complementation group E; Ataxia-telangiectasia, complementation group D; AT, COMPLEMENTATION GROUP C; ATAXIA-TELANGIECTASIA, COMPLEMENTATION GROUP A. Identifiers: Orphanet 100, MedGen C0004135, MONDO:0008840, OMIM 208900.

Submission:

Labcorp Genetics (formerly Invitae), Labcorp
Classification: Uncertain significance for Ataxia-telangiectasia syndrome. Last evaluated: 2023-06-24. Review status: criteria provided, single submitter. Criteria: Invitae Variant Classification Sherloc (09022015). Collection method: clinical testing. Allele origin: germline.
Comment: In summary, the available evidence is currently insufficient to determine the role of this variant in disease. Therefore, it has been classified as a Variant of Uncertain Significance. An algorithm developed to predict the effect of missense changes on protein structure and function (PolyPhen-2) suggests that this variant is likely to be disruptive. This variant has not been reported in the literature in individuals affected with ATM-related conditions. This variant is not present in population databases (gnomAD no frequency). This sequence change replaces leucine, which is neutral and non-polar, with proline, which is neutral and non-polar, at codon 1722 of the ATM protein (p.Leu1722Pro).